The following is an entry in ClinVar:

ClinVar aggregate classification (germline): Uncertain significance (1 of 4 stars; one submission).

Conditions:
Metachromatic leukodystrophy (MLD). Also called: Cerebral sclerosis diffuse metachromatic form; Arylsulfatase A Deficiency; SULFATIDE LIPIDOSIS; ARSA DEFICIENCY; CEREBROSIDE SULFATASE DEFICIENCY; METACHROMATIC LEUKOENCEPHALOPATHY. Identifiers: Orphanet 512, MedGen C0023522, MONDO:0018868, OMIM 250100.

Submission:

Labcorp Genetics (formerly Invitae), Labcorp
Classification: Uncertain significance for Metachromatic leukodystrophy. Last evaluated: 2024-10-23. Review status: criteria provided, single submitter. Criteria: Invitae Variant Classification Sherloc (09022015). Collection method: clinical testing. Allele origin: germline.
Comment: This sequence change replaces glutamine, which is neutral and polar, with arginine, which is basic and polar, at codon 462 of the ARSA protein (p.Gln462Arg). This variant is not present in population databases (gnomAD no frequency). This variant has not been reported in the literature in individuals affected with ARSA-related conditions. ClinVar contains an entry for this variant (Variation ID: 1402836). An algorithm developed to predict the effect of missense changes on protein structure and function outputs the following: PolyPhen-2: "Benign". The arginine amino acid residue is found in multiple mammalian species, which suggests that this missense change does not adversely affect protein function. In summary, the available evidence is currently insufficient to determine the role of this variant in disease. Therefore, it has been classified as a Variant of Uncertain Significance.

NM_000487.6(ARSA):c.1385A>G (p.Gln462Arg)

Gene: ARSA (arylsulfatase A; minus strand). Cytogenetic location: 22q13.33.
Variant type: single nucleotide variant.
Coding change: c.1385A>G on transcript NM_000487.6 (MANE Select); coding-DNA position 1385, A replaced by G.
Protein change: p.Gln462Arg; replaces glutamine 462 with arginine.
Molecular consequence: missense variant.
Genome position (GRCh38, 1-based): chr22:50,625,290, T>C on the plus strand (A>G on the coding strand, the complement: ARSA is on the minus strand). VCF-style: chr22-50625290-T-C. GRCh37 (hg19) VCF-style: chr22-51063718-T-C.
Other names: c.1385A>G, p.Gln462Arg (NM_001085425.3, NM_001085426.3, NM_001085427.3); c.1127A>G, p.Gln376Arg (NM_001085428.3, NM_001362782.2); short protein forms Q462R, Q376R.
Identifiers: ClinVar variation 1402836 (VCV001402836.8), dbSNP rs2146716052, ClinGen allele CA412168003.